The following is an entry in ClinVar:

ClinVar aggregate classification (germline): Uncertain significance (1 of 4 stars; one submission).

Conditions:
Hereditary sensory and autonomic neuropathy type 6. Also called: Neuropathy, hereditary sensory and autonomic, type VI; HSAN VI. Identifiers: Orphanet 314381, MedGen C3539003, MONDO:0013839, OMIM 614653.
Epidermolysis bullosa simplex 3, localized or generalized intermediate, with BP230 deficiency (EBS3). Also called: Epidermolysis bullosa simplex due to BP230 deficiency; Epidermolysis bullosa simplex, autosomal recessive 2. Identifiers: Orphanet 412181, MedGen C3809470, MONDO:0014180, OMIM 615425.

Allele frequency attached by ClinVar (database versions not stated): gnomAD exomes below 0.00001; TOPMed 0.00001; gnomAD 0.00002.
gnomAD v4.1: 5 of 1,613,630 alleles (0.00031%); highest among the groups gnomAD compares: Admixed American, 0.0017%; no homozygotes.

Submission:

Labcorp Genetics (formerly Invitae), Labcorp
Classification: Uncertain significance for Epidermolysis bullosa simplex 3, localized or generalized intermediate, with BP230 deficiency; Hereditary sensory and autonomic neuropathy type 6. Last evaluated: 2022-02-20. Review status: criteria provided, single submitter. Criteria: Invitae Variant Classification Sherloc (09022015). Collection method: clinical testing. Allele origin: germline.
Comment: This variant is not present in population databases (gnomAD no frequency). In summary, the available evidence is currently insufficient to determine the role of this variant in disease. Therefore, it has been classified as a Variant of Uncertain Significance. Experimental studies and prediction algorithms are not available or were not evaluated, and the functional significance of this variant is currently unknown. This variant has not been reported in the literature in individuals affected with DST-related conditions. This sequence change replaces methionine, which is neutral and non-polar, with isoleucine, which is neutral and non-polar, at codon 5025 of the DST protein (p.Met5025Ile). The DST gene has multiple clinically relevant transcripts. This variant occurs in alternate transcript NM_015548.4, and corresponds to NM_001723.5:c.*152417G>A in the primary transcript.

NM_001374736.1(DST):c.23016G>A (p.Met7672Ile)

Gene: DST (dystonin; minus strand). Cytogenetic location: 6p12.1.
Variant type: single nucleotide variant.
Coding change: c.23016G>A on transcript NM_001374736.1 (MANE Select); coding-DNA position 23016, G replaced by A.
Protein change: p.Met7672Ile; replaces methionine 7672 with isoleucine.
Molecular consequence: missense variant. On other transcripts: intron variant (2).
Genome position (GRCh38, 1-based): chr6:56,463,100, C>T on the plus strand (G>A on the coding strand, the complement: DST is on the minus strand). VCF-style: chr6-56463100-C-T. GRCh37 (hg19) VCF-style: chr6-56327898-C-T.
Other names: c.16587G>A, p.Met5529Ile (NM_001144769.5); c.16173G>A, p.Met5391Ile (NM_001144770.2); c.22944G>A, p.Met7648Ile (NM_001374722.1); c.22971G>A, p.Met7657Ile (NM_001374734.1); c.16035G>A, p.Met5345Ile (NM_001386100.1); c.15075G>A, p.Met5025Ile (NM_015548.5); c.16053G>A, p.Met5351Ile (NM_183380.4); c.15741+465G>A (NM_001374730.1); and 1 more; short protein forms M5025I, M5345I, M5529I, M7657I, M5351I, M7648I, M5391I, M7672I.
Identifiers: ClinVar variation 1425293 (VCV001425293.6), dbSNP rs1376076037, ClinGen allele CA364504582.